The following is an entry in ClinVar:

NM_001966.4(EHHADH):c.450C>T (p.Asp150=)

Gene: EHHADH (enoyl-CoA hydratase and 3-hydroxyacyl CoA dehydrogenase; minus strand). Cytogenetic location: 3q27.2.
Variant type: single nucleotide variant.
Coding change: c.450C>T on transcript NM_001966.4 (MANE Select); coding-DNA position 450, C replaced by T.
Protein change: p.Asp150=; no amino-acid change (aspartic acid 150 retained).
Molecular consequence: synonymous variant.
Genome position (GRCh38, 1-based): chr3:185,229,445, G>A on the plus strand (C>T on the coding strand, the complement: EHHADH is on the minus strand). VCF-style: chr3-185229445-G-A. GRCh37 (hg19) VCF-style: chr3-184947233-G-A.
Other names: c.162C>T, p.Asp54= (NM_001166415.2).
Identifiers: ClinVar variation 594394 (VCV000594394.11), dbSNP rs116162834, ClinGen allele CA2739221.

ClinVar aggregate classification (germline): Benign/Likely benign. Review status: criteria provided, multiple submitters, no conflicts (2 of 4 stars). 3 submissions from 3 submitters: Benign (1); Likely benign (1). 1 of the submissions does not count toward it. Last evaluated 2019-12-31.

Conditions:
EHHADH-related disorder. Also called: EHHADH-related condition.

Allele frequency attached by ClinVar (database versions not stated): gnomAD exomes 0.00008 and 0.00016; ExAC 0.00022; 1000 Genomes Project 0.00040; 1000 Genomes Project 30x 0.00047; TOPMed 0.00080; gnomAD 0.00084 and 0.00091; ESP Exome Variant Server 0.00100.
gnomAD v4.1: 241 of 1,542,020 alleles (0.016%); highest among the groups gnomAD compares: African/African-American, 0.3%; no homozygotes.

Submissions (3):

Labcorp Genetics (formerly Invitae), Labcorp
Classification: Benign. Last evaluated: 2019-12-31. Review status: criteria provided, single submitter. Criteria: Invitae Variant Classification Sherloc (09022015). Collection method: clinical testing. Allele origin: germline.

Eurofins Ntd Llc (ga)
Classification: Likely benign. Last evaluated: 2017-10-05. Review status: criteria provided, single submitter. Criteria: EGL Classification Definitions 2015. Collection method: clinical testing. Allele origin: germline. Observed: 1 variant allele, 1 heterozygote.

PreventionGenetics, part of Exact Sciences
Classification: Likely benign for EHHADH-related condition. Last evaluated: 2021-08-20. Review status: no assertion criteria provided. Collection method: clinical testing. Allele origin: germline. Not counted in ClinVar's aggregate classification.
Comment: This variant is classified as likely benign based on ACMG/AMP sequence variant interpretation guidelines (Richards et al. 2015 PMID: 25741868, with internal and published modifications).